The following is an entry in ClinVar:

ClinVar aggregate classification (germline): Likely benign (1 of 4 stars; one submission).

Conditions:
BMPR1A-related disorder. Also called: BMPR1A-related condition.

gnomAD v4.1: 3 of 151,974 alleles (0.002%); highest among the groups gnomAD compares: East Asian, 0.019%; no homozygotes.

Submission:

PreventionGenetics, part of Exact Sciences
Classification: Likely benign for BMPR1A-related condition. Last evaluated: 2026-01-26. Review status: criteria provided, single submitter. Criteria: ACMG Guidelines, 2015. Collection method: clinical testing. Allele origin: germline.
Comment: This variant is classified as likely benign based on ACMG/AMP sequence variant interpretation guidelines (Richards et al. 2015 PMID: 25741868, with internal and published modifications).

NM_004329.3(BMPR1A):c.-475G>C

Genes: BMPR1A (bone morphogenetic protein receptor type 1A; plus strand), LOC130004245 (ATAC-STARR-seq lymphoblastoid silent region 2573; plus strand). Cytogenetic location: 10q23.2.
Variant type: single nucleotide variant.
Coding change: c.-475G>C on transcript NM_004329.3 (MANE Select); 475 bases upstream of the start codon, G replaced by C.
Molecular consequence: 5 prime UTR variant. On other transcripts: non-coding transcript variant (3), intron variant (5).
Genome position (GRCh38, 1-based): chr10:86,756,712, G>C. VCF-style: chr10-86756712-G-C. GRCh37 (hg19) VCF-style: chr10-88516469-G-C.
Other names: c.-475G>C (NM_001406559.1, NM_001406560.1, NM_001406583.1 and 1 more transcripts); c.-580G>C (NM_001406561.1); c.-872G>C (NM_001406563.1); c.-735G>C (NM_001406565.1); c.-789G>C (NM_001406569.1); c.-604G>C (NM_001406570.1); c.-894G>C (NM_001406571.1); c.-824G>C (NM_001406572.1); and 20 more.
Identifiers: ClinVar variation 4988804 (VCV004988804.1).